The following is an entry in ClinVar:

ClinVar aggregate classification (germline): Uncertain significance. Review status: criteria provided, multiple submitters, no conflicts (2 of 4 stars). 2 submissions from 2 submitters: Uncertain significance (2). Last evaluated 2025-07-27.

Conditions:
Hereditary cancer-predisposing syndrome. Also called: Tumor predisposition; Neoplastic Syndromes, Hereditary; Hereditary neoplastic syndrome; Hereditary Cancer Syndrome. Identifiers: Orphanet 140162, MedGen C0027672, MeSH D009386, MONDO:0015356.
Oligodontia-cancer predisposition syndrome. Also called: TOOTH AGENESIS-COLORECTAL CANCER SYNDROME. Identifiers: Orphanet 300576, MedGen C1837750, MONDO:0012075, OMIM 608615. Disease mechanism: loss of function.

Allele frequency attached by ClinVar (database versions not stated): gnomAD exomes below 0.00001; TOPMed 0.00001.
gnomAD v4.1: 5 of 1,580,644 alleles (0.00032%); highest among the groups gnomAD compares: Non-Finnish European, 0.00043%; no homozygotes.

Submissions (2):

Labcorp Genetics (formerly Invitae), Labcorp
Classification: Uncertain significance for Oligodontia-cancer predisposition syndrome. Last evaluated: 2025-07-27. Review status: criteria provided, single submitter. Criteria: Invitae Variant Classification Sherloc (09022015). Collection method: clinical testing. Allele origin: germline.
Comment: This sequence change replaces proline, which is neutral and non-polar, with leucine, which is neutral and non-polar, at codon 427 of the AXIN2 protein (p.Pro427Leu). This variant is not present in population databases (gnomAD no frequency). This variant has not been reported in the literature in individuals affected with AXIN2-related conditions. ClinVar contains an entry for this variant (Variation ID: 850736). Invitae Evidence Modeling of protein sequence and biophysical properties (such as structural, functional, and spatial information, amino acid conservation, physicochemical variation, residue mobility, and thermodynamic stability) indicates that this missense variant is not expected to disrupt AXIN2 protein function with a negative predictive value of 80%. In summary, the available evidence is currently insufficient to determine the role of this variant in disease. Therefore, it has been classified as a Variant of Uncertain Significance.

Ambry Genetics
Classification: Uncertain significance for Hereditary cancer-predisposing syndrome. Last evaluated: 2025-04-16. Review status: criteria provided, single submitter. Criteria: Ambry Variant Classification Scheme 2023. Collection method: clinical testing. Allele origin: germline.
Comment: The p.P427L variant (also known as c.1280C>T), located in coding exon 5 of the AXIN2 gene, results from a C to T substitution at nucleotide position 1280. The proline at codon 427 is replaced by leucine, an amino acid with similar properties. This amino acid position is well conserved in available vertebrate species. In addition, this alteration is predicted to be tolerated by in silico analysis. Since supporting evidence is limited at this time, the clinical significance of this alteration remains unclear.

NM_004655.4(AXIN2):c.1280C>T (p.Pro427Leu)

Gene: AXIN2 (axin 2; minus strand). Cytogenetic location: 17q24.1.
Variant type: single nucleotide variant.
Coding change: c.1280C>T on transcript NM_004655.4 (MANE Select); coding-DNA position 1280, C replaced by T.
Protein change: p.Pro427Leu; replaces proline 427 with leucine.
Molecular consequence: missense variant.
Genome position (GRCh38, 1-based): chr17:65,537,756, G>A on the plus strand (C>T on the coding strand, the complement: AXIN2 is on the minus strand). VCF-style: chr17-65537756-G-A. GRCh37 (hg19) VCF-style: chr17-63533874-G-A.
Other names: c.1280C>T, p.Pro427Leu (NM_001363813.1); short protein forms P427L.
Identifiers: ClinVar variation 850736 (VCV000850736.13), dbSNP rs1309062534, ClinGen allele CA400677824.